The following is an entry in ClinVar:

ClinVar aggregate classification (germline): Benign/Likely benign. Review status: criteria provided, multiple submitters, no conflicts (2 of 4 stars). 2 submissions from 2 submitters: Benign (1); Likely benign (1). Last evaluated 2019-06-15.

Conditions:
BAP1-related tumor predisposition syndrome (TPDS1). Also called: Tumor susceptibility linked to germline BAP1 mutations; COMMON Syndrome; TUMOR PREDISPOSITION SYNDROME 1; BAP1 tumor predisposition syndrome. Identifiers: Orphanet 289539, MedGen C3280492, MONDO:0013692, OMIM 614327.

Allele frequency attached by ClinVar (database versions not stated): 1000 Genomes Project 0.01338; gnomAD exomes 0.00100; gnomAD 0.00797 and 0.00839; TOPMed 0.00926; 1000 Genomes Project 30x 0.01312.
gnomAD v4.1: 1,440 of 376,600 alleles (0.38%); highest among the groups gnomAD compares: African/African-American, 2.6%; 22 homozygotes.

Submissions (2):

GeneDx
Classification: Likely benign. Last evaluated: 2019-06-15. Review status: criteria provided, single submitter. Criteria: GeneDx Variant Classification Process June 2021. Collection method: clinical testing. Allele origin: germline. Affected: yes.

Illumina Laboratory Services, Illumina
Classification: Benign for BAP1-related tumor predisposition syndrome. Last evaluated: 2018-01-13. Review status: criteria provided, single submitter. Criteria: ICSL Variant Classification Criteria 13 December 2019. Collection method: clinical testing. Allele origin: germline.
Comment: This variant was observed in the ICSL laboratory as part of a predisposition screen in an ostensibly healthy population. It had not been previously curated by ICSL or reported in the Human Gene Mutation Database (HGMD: prior to June 1st, 2018), and was therefore a candidate for classification through an automated scoring system. Utilizing variant allele frequency, disease prevalence and penetrance estimates, and inheritance mode, an automated score was calculated to assess if this variant is too frequent to cause the disease. Based on the score and internal cut-off values, a variant classified as benign is not then subjected to further curation. The score for this variant resulted in a classification of benign for this disease.

NM_004656.4(BAP1):c.*392C>T

Gene: BAP1 (BRCA1 associated deubiquitinase 1; minus strand). Cytogenetic location: 3p21.1.
Variant type: single nucleotide variant.
Coding change: c.*392C>T on transcript NM_004656.4 (MANE Select); 392 bases downstream of the stop codon, C replaced by T.
Molecular consequence: 3 prime UTR variant.
Genome position (GRCh38, 1-based): chr3:52,401,896, G>A on the plus strand (C>T on the coding strand, the complement: BAP1 is on the minus strand). VCF-style: chr3-52401896-G-A. GRCh37 (hg19) VCF-style: chr3-52435912-G-A.
Identifiers: ClinVar variation 903576 (VCV000903576.7), dbSNP rs112026686, ClinGen allele CA74739679.